The following is an entry in ClinVar:

NM_014003.4(DHX38):c.2020C>T (p.Arg674Trp)

Gene: DHX38 (DEAH-box helicase 38; plus strand). Cytogenetic location: 16q22.2.
Variant type: single nucleotide variant.
Coding change: c.2020C>T on transcript NM_014003.4 (MANE Select); coding-DNA position 2020, C replaced by T.
Protein change: p.Arg674Trp; replaces arginine 674 with tryptophan.
Molecular consequence: missense variant.
Genome position (GRCh38, 1-based): chr16:72,104,495, C>T. VCF-style: chr16-72104495-C-T. GRCh37 (hg19) VCF-style: chr16-72138394-C-T.
Other names: c.2020C>T (NM_014003.3); short protein forms R674W.
Identifiers: ClinVar variation 1007094 (VCV001007094.9), dbSNP rs778940669, ClinGen allele CA8160500.
Genomic context (GRCh38, chr16:72,104,495, plus strand): 5'-AGGAGCCAAGGGTCCCCACCATGGGGGCCTCCGAGCCGCCTCTTCTCTCAGGTAGTGGCT[C>T]GGCGCTCAGACCTGAAGCTCATCGTCACATCAGCCACGATGGATGCGGAGAAGTTTGCTG-3'
Protein context (NP_054722.2, residues 664-684): LFGLLREVVA[Arg674Trp]RSDLKLIVTS

ClinVar aggregate classification (germline): Uncertain significance. Review status: criteria provided, multiple submitters, no conflicts (2 of 4 stars). 2 submissions from 2 submitters: Uncertain significance (2). Last evaluated 2024-07-31.

Allele frequency attached by ClinVar (database versions not stated): gnomAD 0.00002; TOPMed 0.00002; gnomAD exomes 0.00001; ExAC 0.00002.
gnomAD v4.1: 23 of 1,613,734 alleles (0.0014%); highest among the groups gnomAD compares: African/African-American, 0.0067%; no homozygotes.

Submissions (2):

Ambry Genetics
Classification: Uncertain significance. Last evaluated: 2024-07-31. Review status: criteria provided, single submitter. Criteria: Ambry Variant Classification Scheme 2023. Collection method: clinical testing. Allele origin: germline.

Labcorp Genetics (formerly Invitae), Labcorp
Classification: Uncertain significance. Last evaluated: 2024-07-22. Review status: criteria provided, single submitter. Criteria: Invitae Variant Classification Sherloc (09022015). Collection method: clinical testing. Allele origin: germline.
Comment: This sequence change replaces arginine, which is basic and polar, with tryptophan, which is neutral and slightly polar, at codon 674 of the DHX38 protein (p.Arg674Trp). The frequency data for this variant in the population databases is considered unreliable, as metrics indicate poor data quality at this position in the gnomAD database. This variant has not been reported in the literature in individuals affected with DHX38-related conditions. ClinVar contains an entry for this variant (Variation ID: 1007094). Advanced modeling of protein sequence and biophysical properties (such as structural, functional, and spatial information, amino acid conservation, physicochemical variation, residue mobility, and thermodynamic stability) performed at Invitae indicates that this missense variant is expected to disrupt DHX38 protein function with a positive predictive value of 80%. In summary, the available evidence is currently insufficient to determine the role of this variant in disease. Therefore, it has been classified as a Variant of Uncertain Significance.